The following is an entry in ClinVar:

ClinVar aggregate classification (germline): Uncertain significance. Review status: criteria provided, multiple submitters, no conflicts (2 of 4 stars). 2 submissions from 2 submitters: Uncertain significance (2). Last evaluated 2025-11-30.

Conditions:
Duchenne muscular dystrophy (DMD). Also called: MUSCULAR DYSTROPHY, PSEUDOHYPERTROPHIC PROGRESSIVE, DUCHENNE TYPE; Duchenne Muscular Dystrophy (DMD). Identifiers: Orphanet 98896, MedGen C0013264, MONDO:0010679, OMIM 310200.
Cardiovascular phenotype. Identifiers: MedGen CN230736.

Submissions (2):

Labcorp Genetics (formerly Invitae), Labcorp
Classification: Uncertain significance for Duchenne muscular dystrophy. Last evaluated: 2025-11-30. Review status: criteria provided, single submitter. Criteria: Invitae Variant Classification Sherloc (09022015). Collection method: clinical testing. Allele origin: germline.
Comment: This sequence change replaces tryptophan, which is neutral and slightly polar, with glycine, which is neutral and non-polar, at codon 1670 of the DMD protein (p.Trp1670Gly). This variant is not present in population databases (gnomAD no frequency). This variant has not been reported in the literature in individuals affected with DMD-related conditions. ClinVar contains an entry for this variant (Variation ID: 2799927). Invitae Evidence Modeling of protein sequence and biophysical properties (such as structural, functional, and spatial information, amino acid conservation, physicochemical variation, residue mobility, and thermodynamic stability) indicates that this missense variant is not expected to disrupt DMD protein function with a negative predictive value of 95%. In summary, the available evidence is currently insufficient to determine the role of this variant in disease. Therefore, it has been classified as a Variant of Uncertain Significance.

Ambry Genetics
Classification: Uncertain significance for Cardiovascular phenotype. Last evaluated: 2024-10-25. Review status: criteria provided, single submitter. Criteria: Ambry Variant Classification Scheme 2023. Collection method: clinical testing. Allele origin: germline.
Comment: The p.W1670G variant (also known as c.5008T>G), located in coding exon 35 of the DMD gene, results from a T to G substitution at nucleotide position 5008. The tryptophan at codon 1670 is replaced by glycine, an amino acid with highly dissimilar properties. This amino acid position is highly conserved in available vertebrate species. In addition, this alteration is predicted to be deleterious by in silico analysis. Based on the available evidence, the clinical significance of this variant remains unclear.

NM_004006.3(DMD):c.5008T>G (p.Trp1670Gly)

Gene: DMD (dystrophin; minus strand). Cytogenetic location: Xp21.1.
Variant type: single nucleotide variant.
Coding change: c.5008T>G on transcript NM_004006.3 (MANE Select); coding-DNA position 5008, T replaced by G.
Protein change: p.Trp1670Gly; replaces tryptophan 1670 with glycine.
Molecular consequence: missense variant.
Genome position (GRCh38, 1-based): chrX:32,365,037, A>C on the plus strand (T>G on the coding strand, the complement: DMD is on the minus strand). VCF-style: chrX-32365037-A-C. GRCh37 (hg19) VCF-style: chrX-32383154-A-C.
Other names: c.4984T>G, p.Trp1662Gly (NM_000109.4); c.4996T>G, p.Trp1666Gly (NM_004009.3); c.4639T>G, p.Trp1547Gly (NM_004010.3); c.985T>G, p.Trp329Gly (NM_004011.4); c.976T>G, p.Trp326Gly (NM_004012.4); short protein forms W1547G, W1662G, W326G, W1666G, W1670G, W329G.
Identifiers: ClinVar variation 2799927 (VCV002799927.4), dbSNP rs973159625, ClinGen allele CA327995592.